The following is an entry in ClinVar:

ClinVar aggregate classification (germline): Uncertain significance (1 of 4 stars; one submission).

Conditions:
Cardiovascular phenotype. Identifiers: MedGen CN230736.

Submission:

Ambry Genetics
Classification: Uncertain significance for Cardiovascular phenotype. Last evaluated: 2021-12-15. Review status: criteria provided, single submitter. Criteria: Ambry Variant Classification Scheme 2023. Collection method: clinical testing. Allele origin: germline.
Comment: The c.864+3_864+6delAAGT intronic variant, located in intron 6 of the PRKAG2 gene, results from a deletion of 4 nucleotides within intron 6 of the PRKAG2 gene. These nucleotide positions range from not well conserved to highly conserved in available vertebrate species. In silico splice site analysis predicts that this alteration will weaken the native splice donor site. Since supporting evidence is limited at this time, the clinical significance of this alteration remains unclear.

NM_016203.4(PRKAG2):c.864+3_864+6del

Gene: PRKAG2 (protein kinase AMP-activated non-catalytic subunit gamma 2; minus strand). Cytogenetic location: 7q36.1.
Variant type: Microsatellite.
Coding change: c.864+3_864+6del on transcript NM_016203.4 (MANE Select); bases 3 to 6 of the intron after coding-DNA position 864, 4 bases deleted (AAGT; older notation c.864+3_864+6delAAGT).
Molecular consequence: splice donor variant.
Genome position (GRCh38, 1-based): chr7:151,595,339-151,595,342, ACTT deleted on the plus strand (AAGT on the coding strand, the reverse complement: PRKAG2 is on the minus strand); deleting any 4 consecutive bases within chr7:151,595,339-151,595,346 gives the same sequence; the c. name uses the placement nearest the transcript's 3' end. VCF-style (leftmost placement, unchanged base first): chr7-151595338-CACTT-C. GRCh37 (hg19) VCF-style: chr7-151292424-CACTT-C.
Other names: c.732+3_732+6del (NM_001040633.2); c.489+3_489+6del (NM_001304527.2); c.492+3_492+6del (NM_001363698.2); c.141+3_141+6del (NM_001304531.2, NM_024429.2).
Identifiers: ClinVar variation 1764136 (VCV001764136.2), dbSNP rs2536586118, ClinGen allele CA2580614288.
Genomic context (GRCh38, chr7:151,595,338, plus strand): 5'-AATTACTGTATAAAGTAGTAGCCATCCAAAAAATACCAAAAAATTCATGAAAATGGAGTA[CACTT>C]ACTTGTAATGTAGTATCAAAGACAACAAGCTTTGAACTGGTTGGAACGATGTCATAACAC-3'